The following is an entry in ClinVar:

NM_001009566.3(CLSTN1):c.2853G>C (p.Glu951Asp)

Gene: CLSTN1 (calsyntenin 1; minus strand). Cytogenetic location: 1p36.22.
Variant type: single nucleotide variant.
Coding change: c.2853G>C on transcript NM_001009566.3 (MANE Select); coding-DNA position 2853, G replaced by C.
Protein change: p.Glu951Asp; replaces glutamic acid 951 with aspartic acid.
Molecular consequence: missense variant.
Genome position (GRCh38, 1-based): chr1:9,730,601, C>G on the plus strand (G>C on the coding strand, the complement: CLSTN1 is on the minus strand). VCF-style: chr1-9730601-C-G. GRCh37 (hg19) VCF-style: chr1-9790659-C-G.
Other names: c.2796G>C, p.Glu932Asp (NM_001302883.1); c.2823G>C, p.Glu941Asp (NM_014944.4); short protein forms E932D, E941D, E951D.
Identifiers: ClinVar variation 2638191 (VCV002638191.24), dbSNP rs148584143, ClinGen allele CA577796.

ClinVar aggregate classification (germline): Likely benign (1 of 4 stars; one submission).

Allele frequency attached by ClinVar (database versions not stated): 1000 Genomes Project 0.00300; 1000 Genomes Project 30x 0.00359; ExAC 0.00481; gnomAD 0.00528; TOPMed 0.00540; ESP Exome Variant Server 0.00623; gnomAD exomes 0.00830.
gnomAD v4.1: 12,827 of 1,610,268 alleles (0.8%); highest among the groups gnomAD compares: Non-Finnish European, 0.97%; 70 homozygotes.

Submission:

CeGaT Center for Human Genetics Tuebingen
Classification: Likely benign. Last evaluated: 2023-08-01. Review status: criteria provided, single submitter. Criteria: CeGaT Center For Human Genetics Tuebingen Variant Classification Criteria Version 2. Collection method: clinical testing. Allele origin: germline. Affected: yes. Observed: 1 variant allele.
Comment: CLSTN1: BS2